The following is an entry in ClinVar:

NM_007055.4(POLR3A):c.3119G>C (p.Ser1040Thr)

Gene: POLR3A (RNA polymerase III subunit A; minus strand). Cytogenetic location: 10q22.3.
Variant type: single nucleotide variant.
Coding change: c.3119G>C on transcript NM_007055.4 (MANE Select); coding-DNA position 3119, G replaced by C.
Protein change: p.Ser1040Thr; replaces serine 1040 with threonine.
Molecular consequence: missense variant.
Genome position (GRCh38, 1-based): chr10:77,985,293, C>G on the plus strand (G>C on the coding strand, the complement: POLR3A is on the minus strand). VCF-style: chr10-77985293-C-G. GRCh37 (hg19) VCF-style: chr10-79745051-C-G.
Other names: short protein forms S1040T.
Identifiers: ClinVar variation 4293251 (VCV004293251.1).

ClinVar aggregate classification (germline): Uncertain significance (1 of 4 stars; one submission).

Conditions:
Leukodystrophy, hypomyelinating, 7, with or without oligodontia and/or hypogonadotropic hypogonadism (HLD7). Also called: LEUKOENCEPHALOPATHY, HYPOMYELINATING, WITH ATAXIA AND DELAYED DENTITION; ATAXIA, DELAYED DENTITION, AND HYPOMYELINATION; LEUKODYSTROPHY, HYPOMYELINATING, 7, WITH OLIGODONTIA; LEUKODYSTROPHY, HYPOMYELINATING, 7, WITH OLIGODONTIA AND HYPOGONADOTROPIC HYPOGONADISM; LEUKODYSTROPHY, HYPOMYELINATING, 7, WITHOUT OLIGODONTIA OR HYPOGONADOTROPIC HYPOGONADISM; Ataxia, Delayed Dentition and Hypomyelination (ADDH). Identifiers: Orphanet 137639, Orphanet 447893, Orphanet 447896, Orphanet 77295, Orphanet 88637, MedGen CN034185, MONDO:0011897, OMIM 607694.

Submission:

3billion
Classification: Uncertain significance for Leukodystrophy, hypomyelinating, 7, with or without oligodontia and/or hypogonadotropic hypogonadism. Last evaluated: 2024-12-05. Review status: criteria provided, single submitter. Criteria: ACMG Guidelines, 2015. Collection method: clinical testing. Allele origin: germline. Affected: yes.
Comment: The variant is not observed in the gnomAD v4.1.0 dataset. Predicted Consequence/Location: Missense variant. The majority of the known disease-causing variants of this gene are variants expected to result in premature termination of the protein. In silico tool predictions suggest damaging effect of the variant on gene or gene product [REVEL: 0.86 (>=0.6, sensitivity 0.68 and specificity 0.92); 3Cnet: 0.98 (>=0.6, sensitivity 0.72 and precision 0.9)]. Therefore, this variant is classified as VUS according to the recommendation of ACMG/AMP guideline.